The following is an entry in ClinVar:

NM_003000.3(SDHB):c.731A>G (p.His244Arg)

Gene: SDHB (succinate dehydrogenase complex iron sulfur subunit B; minus strand). Cytogenetic location: 1p36.13.
Variant type: single nucleotide variant.
Coding change: c.731A>G on transcript NM_003000.3 (MANE Select); coding-DNA position 731, A replaced by G.
Protein change: p.His244Arg; replaces histidine 244 with arginine.
Molecular consequence: missense variant.
Genome position (GRCh38, 1-based): chr1:17,022,642, T>C on the plus strand (A>G on the coding strand, the complement: SDHB is on the minus strand). VCF-style: chr1-17022642-T-C. GRCh37 (hg19) VCF-style: chr1-17349137-T-C.
Other names: c.677A>G, p.His226Arg (NM_001407361.1); short protein forms H244R, H226R.
Identifiers: ClinVar variation 4790458 (VCV004790458.2).

ClinVar aggregate classification (germline): Uncertain significance. Review status: criteria provided, multiple submitters, no conflicts (2 of 4 stars). 2 submissions from 2 submitters: Uncertain significance (2). Last evaluated 2026-07-06.

Conditions:
Hereditary cancer-predisposing syndrome. Also called: Hereditary Cancer Syndrome; Hereditary neoplastic syndrome; Neoplastic Syndromes, Hereditary; Tumor predisposition. Identifiers: Orphanet 140162, MedGen C0027672, MeSH D009386, MONDO:0015356.
Pheochromocytoma. Also called: MAX-Related Hereditary Paraganglioma-Pheochromocytoma Syndrome. Identifiers: Orphanet 29072, MedGen C0031511, MONDO:0008233, OMIM 171300, HP:0002666.
Pheochromocytoma/paraganglioma syndrome 4. Also called: CAROTID BODY TUMORS AND MULTIPLE EXTRAADRENAL PHEOCHROMOCYTOMAS; PARAGANGLIOMA, FAMILIAL MALIGNANT; PARAGANGLIOMAS, HEREDITARY EXTRAADRENAL; PHEOCHROMOCYTOMA, FAMILIAL EXTRAADRENAL; Paragangliomas 4; SDHB-Related Hereditary Paraganglioma-Pheochromocytoma Syndrome (Paragangliomas 4). Identifiers: Orphanet 29072, MedGen C1861848, MONDO:0007273, OMIM 115310.
Gastrointestinal stromal tumor. Also called: Gastrointestinal stroma tumor; Gastrointestinal stromal tumor, somatic. Identifiers: Orphanet 44890, MedGen C0238198, MeSH D046152, MONDO:0011719, OMIM 606764, HP:0100723.

Submissions (2):

Ambry Genetics
Classification: Uncertain significance for Hereditary cancer-predisposing syndrome. Last evaluated: 2026-07-06. Review status: criteria provided, single submitter. Criteria: Ambry Variant Classification Scheme 2023. Collection method: clinical testing. Allele origin: germline.
Comment: The p.H244R variant (also known as c.731A>G), located in coding exon 7 of the SDHB gene, results from an A to G substitution at nucleotide position 731. The histidine at codon 244 is replaced by arginine, an amino acid with highly similar properties. This amino acid position is conserved. In addition, this alteration is predicted to be deleterious by in silico analysis. Based on the available evidence, the clinical significance of this variant remains unclear.

Labcorp Genetics (formerly Invitae), Labcorp
Classification: Uncertain significance for Gastrointestinal stromal tumor; Pheochromocytoma/paraganglioma syndrome 4; Pheochromocytoma. Last evaluated: 2025-07-01. Review status: criteria provided, single submitter. Criteria: Invitae Variant Classification Sherloc (09022015). Collection method: clinical testing. Allele origin: germline.
Comment: This sequence change replaces histidine, which is basic and polar, with arginine, which is basic and polar, at codon 244 of the SDHB protein (p.His244Arg). This variant is not present in population databases (gnomAD no frequency). This variant has not been reported in the literature in individuals affected with SDHB-related conditions. Invitae Evidence Modeling of protein sequence and biophysical properties (such as structural, functional, and spatial information, amino acid conservation, physicochemical variation, residue mobility, and thermodynamic stability) indicates that this missense variant is not expected to disrupt SDHB protein function with a negative predictive value of 80%. In summary, the available evidence is currently insufficient to determine the role of this variant in disease. Therefore, it has been classified as a Variant of Uncertain Significance.